The following is an entry in ClinVar:

NM_181078.3(IL21R):c.976G>A (p.Ala326Thr)

Genes: IL21R-AS1 (IL21R antisense RNA 1; minus strand), IL21R (interleukin 21 receptor; plus strand). Cytogenetic location: 16p12.1.
Variant type: single nucleotide variant.
Coding change: c.976G>A on transcript NM_181078.3 (MANE Select); coding-DNA position 976, G replaced by A.
Protein change: p.Ala326Thr; replaces alanine 326 with threonine.
Molecular consequence: missense variant. On other transcripts: non-coding transcript variant (1).
Genome position (GRCh38, 1-based): chr16:27,448,642, G>A. VCF-style: chr16-27448642-G-A. GRCh37 (hg19) VCF-style: chr16-27459963-G-A.
Other names: c.1042G>A (NM_181079.4); c.976G>A, p.Ala326Thr (NM_021798.4); c.1042G>A, p.Ala348Thr (NM_181079.5); short protein forms A348T, A326T.
Identifiers: ClinVar variation 848737 (VCV000848737.8), dbSNP rs1171960252, ClinGen allele CA395306934.

ClinVar aggregate classification (germline): Uncertain significance. Review status: criteria provided, multiple submitters, no conflicts (2 of 4 stars). 2 submissions from 2 submitters: Uncertain significance (2). Last evaluated 2025-08-09.

Conditions:
Cryptosporidiosis-chronic cholangitis-liver disease syndrome. Also called: IL21R immunodeficiency; Immunodeficiency type 56. Identifiers: Orphanet 357329, MedGen C3554687, MONDO:0014082, OMIM 615207.
Inborn genetic diseases. Identifiers: MedGen C0950123, MeSH D030342.

Allele frequency attached by ClinVar (database versions not stated): TOPMed below 0.00001; gnomAD 0.00001.
gnomAD v4.1: 2 of 1,613,080 alleles (0.00012%); highest among the groups gnomAD compares: Non-Finnish European, 0.00017%; no homozygotes.

Submissions (2):

Ambry Genetics
Classification: Uncertain significance for Inborn genetic diseases. Last evaluated: 2025-08-09. Review status: criteria provided, single submitter. Criteria: Ambry Variant Classification Scheme 2023. Collection method: clinical testing. Allele origin: germline.

Labcorp Genetics (formerly Invitae), Labcorp
Classification: Uncertain significance for Cryptosporidiosis-chronic cholangitis-liver disease syndrome. Last evaluated: 2022-03-05. Review status: criteria provided, single submitter. Criteria: Invitae Variant Classification Sherloc (09022015). Collection method: clinical testing. Allele origin: germline.
Comment: This sequence change replaces alanine, which is neutral and non-polar, with threonine, which is neutral and polar, at codon 326 of the IL21R protein (p.Ala326Thr). This variant is not present in population databases (gnomAD no frequency). This variant has not been reported in the literature in individuals affected with IL21R-related conditions. ClinVar contains an entry for this variant (Variation ID: 848737). Algorithms developed to predict the effect of missense changes on protein structure and function output the following: SIFT: "Tolerated"; PolyPhen-2: "Benign"; Align-GVGD: "Class C0". The threonine amino acid residue is found in multiple mammalian species, which suggests that this missense change does not adversely affect protein function. In summary, the available evidence is currently insufficient to determine the role of this variant in disease. Therefore, it has been classified as a Variant of Uncertain Significance.